The following is an entry in ClinVar:

ClinVar aggregate classification (germline): Uncertain significance (1 of 4 stars; one submission).

Allele frequency attached by ClinVar (database versions not stated): gnomAD 0.00001; TOPMed 0.00001.
gnomAD v4.1: 13 of 1,613,962 alleles (0.00081%); highest among the groups gnomAD compares: South Asian, 0.0033%; no homozygotes.

Submission:

Labcorp Genetics (formerly Invitae), Labcorp
Classification: Uncertain significance. Last evaluated: 2024-08-29. Review status: criteria provided, single submitter. Criteria: Invitae Variant Classification Sherloc (09022015). Collection method: clinical testing. Allele origin: germline.
Comment: This sequence change affects codon 210 of the COL9A2 mRNA. It is a 'silent' change, meaning that it does not change the encoded amino acid sequence of the COL9A2 protein. This variant also falls at the last nucleotide of exon 12, which is part of the consensus splice site for this exon. This variant is not present in population databases (gnomAD no frequency). This variant has not been reported in the literature in individuals affected with COL9A2-related conditions. ClinVar contains an entry for this variant (Variation ID: 2159942). Variants that disrupt the consensus splice site are a relatively common cause of aberrant splicing (PMID: 17576681, 9536098). Algorithms developed to predict the effect of sequence changes on RNA splicing suggest that this variant may disrupt the consensus splice site. In summary, the available evidence is currently insufficient to determine the role of this variant in disease. Therefore, it has been classified as a Variant of Uncertain Significance.

Literature cited by the submitters: PubMed 17576681; PubMed 9536098.

NM_001852.4(COL9A2):c.630G>A (p.Pro210=)

Gene: COL9A2 (collagen type IX alpha 2 chain; minus strand). Cytogenetic location: 1p34.2.
Variant type: single nucleotide variant.
Coding change: c.630G>A on transcript NM_001852.4 (MANE Select); coding-DNA position 630, G replaced by A.
Protein change: p.Pro210=; no amino-acid change (proline 210 retained).
Molecular consequence: synonymous variant.
Genome position (GRCh38, 1-based): chr1:40,311,093, C>T on the plus strand (G>A on the coding strand, the complement: COL9A2 is on the minus strand). VCF-style: chr1-40311093-C-T. GRCh37 (hg19) VCF-style: chr1-40776765-C-T.
Identifiers: ClinVar variation 2159942 (VCV002159942.4), dbSNP rs1165014151, ClinGen allele CA417330814.